The following is an entry in ClinVar:

ClinVar aggregate classification (germline): Uncertain significance (1 of 4 stars; one submission).

gnomAD v4.1: 2 of 1,614,082 alleles (0.00012%); highest among the groups gnomAD compares: Admixed American, 0.0017%; no homozygotes.

Submission:

Ambry Genetics
Classification: Uncertain significance. Last evaluated: 2023-11-21. Review status: criteria provided, single submitter. Criteria: Ambry Variant Classification Scheme 2023. Collection method: clinical testing. Allele origin: germline.
Comment: The p.R1696G variant (also known as c.5086C>G), located in coding exon 44 of the KIF1B gene, results from a C to G substitution at nucleotide position 5086. The arginine at codon 1696 is replaced by glycine, an amino acid with dissimilar properties. This amino acid position is conserved. In addition, the in silico prediction for this alteration is inconclusive. Since supporting evidence is limited at this time, the clinical significance of this alteration remains unclear.

NM_001365951.3(KIF1B):c.5224C>G (p.Arg1742Gly)

Gene: KIF1B (kinesin family member 1B; plus strand). Cytogenetic location: 1p36.22.
Variant type: single nucleotide variant.
Coding change: c.5224C>G on transcript NM_001365951.3 (MANE Select); coding-DNA position 5224, C replaced by G.
Protein change: p.Arg1742Gly; replaces arginine 1742 with glycine.
Molecular consequence: missense variant.
Genome position (GRCh38, 1-based): chr1:10,374,981, C>G. VCF-style: chr1-10374981-C-G. GRCh37 (hg19) VCF-style: chr1-10435039-C-G.
Other names: c.5224C>G, p.Arg1742Gly (NM_001365952.1); c.5086C>G, p.Arg1696Gly (NM_015074.3); short protein forms R1696G, R1742G.
Identifiers: ClinVar variation 3226535 (VCV003226535.1), dbSNP rs200161482, ClinGen allele CA338330808.